The following is an entry in ClinVar:

ClinVar aggregate classification (germline): Pathogenic (1 of 4 stars; one submission).

Submission:

GeneDx
Classification: Pathogenic. Last evaluated: 2015-08-17. Review status: criteria provided, single submitter. Criteria: GeneDx Variant Classification (06012015). Collection method: clinical testing. Allele origin: germline. Affected: yes.
Comment: The c.3255_3259delCCTGG deletion in the SHANK3 gene has not been reported previously as apathogenic variant nor as a benign polymorphism, to our knowledge. The c.3255_3259delCCTGGdeletion causes a frameshift starting with codon Serine 1085, changes this amino acid to a Arginineresidue, and creates a premature Stop codon at position 209 of the new reading frame, denotedp.Ser1085ArgfsX209. This variant is predicted to cause loss of normal protein function either throughprotein truncation or nonsense-mediated mRNA decay. The c.3255_3259delCCTGG deletion was notobserved in approximately 6000 individuals of European and African American ancestry in the NHLBIExome Sequencing Project, indicating it is not a common benign variant in these populations. We interpretc.3255_3259delCCTGG as a pathogenic variant.

NM_001372044.2(SHANK3):c.3480_3484del (p.Ser1160fs)

Gene: SHANK3 (SH3 and multiple ankyrin repeat domains 3; plus strand). Cytogenetic location: 22q13.33.
Variant type: Deletion.
Coding change: c.3480_3484del on transcript NM_001372044.2 (MANE Select); coding-DNA positions 3480 to 3484, 5 bases deleted (CCTGG; older notation c.3480_3484delCCTGG).
Protein change: p.Ser1160fs; shifts the reading frame from serine 1160.
Molecular consequence: frameshift variant.
Genome position (GRCh38, 1-based): chr22:50,721,088-50,721,092, CCTGG deleted; deleting any 5 consecutive bases within chr22:50,721,087-50,721,092 gives the same sequence; the c. name uses the placement nearest the transcript's 3' end. VCF-style (leftmost placement, unchanged base first): chr22-50721086-AGCCTG-A. GRCh37 (hg19) VCF-style: chr22-51159514-AGCCTG-A.
Other names: c.3255_3259delCCTGG, p.Ser1085Argfs (NM_033517.1); short protein forms S1160fs.
Identifiers: ClinVar variation 419513 (VCV000419513.2), dbSNP rs1064793925, ClinGen allele CA16621140.